The following is an entry in ClinVar:

NM_014476.6(PDLIM3):c.451T>A (p.Ser151Thr)

Gene: PDLIM3 (PDZ and LIM domain 3; minus strand). Cytogenetic location: 4q35.1.
Variant type: single nucleotide variant.
Coding change: c.451T>A on transcript NM_014476.6 (MANE Select); coding-DNA position 451, T replaced by A.
Protein change: p.Ser151Thr; replaces serine 151 with threonine.
Molecular consequence: missense variant. On other transcripts: intron variant (3).
Genome position (GRCh38, 1-based): chr4:185,508,510, A>T on the plus strand (T>A on the coding strand, the complement: PDLIM3 is on the minus strand). VCF-style: chr4-185508510-A-T. GRCh37 (hg19) VCF-style: chr4-186429664-A-T.
Other names: c.162-1858T>A (NM_001257963.2); c.399-1858T>A (NM_001257962.2); c.519-1858T>A (NM_001114107.5); short protein forms S151T.
Identifiers: ClinVar variation 3887495 (VCV003887495.1).
Genomic context (GRCh38, chr4:185,508,510, plus strand): 5'-CCAGCTTAGCCGCAACTTTCAAGTCACCTGGGCAAATGGTACTAACAGTACTGACAGAAG[A>T]AGGGGTGCTGCGTCCACTGCCACAGTCAATCCCGGAGGGAGTGCTGCATCCACTGTGTTA-3'
Protein context (NP_055291.2, residues 141-161): IDCGSGRSTP[Ser151Thr]SVSTVSTICP

ClinVar aggregate classification (germline): Uncertain significance (1 of 4 stars; one submission).

Submission:

Ambry Genetics
Classification: Uncertain significance. Last evaluated: 2025-02-04. Review status: criteria provided, single submitter. Criteria: Ambry Variant Classification Scheme 2023. Collection method: clinical testing. Allele origin: germline.
Comment: The p.S151T variant (also known as c.451T>A), located in coding exon 5 of the PDLIM3 gene, results from a T to A substitution at nucleotide position 451. The serine at codon 151 is replaced by threonine, an amino acid with similar properties. This amino acid position is conserved. In addition, this alteration is predicted to be tolerated by in silico analysis. Based on the available evidence, the clinical significance of this variant remains unclear.